The following is an entry in ClinVar:

ClinVar aggregate classification (germline): Uncertain significance (1 of 4 stars; one submission).

Conditions:
Hereditary nonpolyposis colorectal neoplasms. Identifiers: MedGen C0009405, MeSH D003123.

Submission:

Labcorp Genetics (formerly Invitae), Labcorp
Classification: Uncertain significance for Hereditary nonpolyposis colorectal neoplasms. Last evaluated: 2025-10-18. Review status: criteria provided, single submitter. Criteria: Invitae Variant Classification Sherloc (09022015). Collection method: clinical testing. Allele origin: germline.
Comment: This variant, c.828_830del, results in the deletion of 1 amino acid(s) of the MSH6 protein (p.Asp276del), but otherwise preserves the integrity of the reading frame. This variant is not present in population databases (gnomAD no frequency). This variant has not been reported in the literature in individuals affected with MSH6-related conditions. Experimental studies and prediction algorithms are not available or were not evaluated, and the functional significance of this variant is currently unknown. In summary, the available evidence is currently insufficient to determine the role of this variant in disease. Therefore, it has been classified as a Variant of Uncertain Significance.

NM_000179.3(MSH6):c.825TGA[1] (p.Asp276del)

Gene: MSH6 (mutS homolog 6; plus strand). Cytogenetic location: 2p16.3.
Variant type: Microsatellite.
Coding change: c.825TGA[1] on transcript NM_000179.3 (MANE Select); one copy of the 3-base unit TGA starting at c.825; the reference has two copies in a row; one copy, 3 bases deleted.
Protein change: p.Asp276del; deletes aspartic acid 276.
Molecular consequence: inframe deletion. On other transcripts: 5 prime UTR variant (9), non-coding transcript variant (4), intron variant (1).
Genome position (GRCh38, 1-based): chr2:47,798,811-47,798,813, TGA deleted; deleting any 3 consecutive bases within chr2:47,798,808-47,798,813 gives the same sequence; the position shown is the placement nearest the transcript's 3' end. VCF-style (leftmost placement, unchanged base first): chr2-47798807-GTGA-G. GRCh37 (hg19) VCF-style: chr2-48025946-GTGA-G.
Other names: c.435TGA[1], p.Asp146del (NM_001281492.2); c.-82TGA[1] (NM_001281493.2, NM_001281494.2, NM_001406811.1 and 6 more transcripts); c.921TGA[1], p.Asp308del (NM_001406795.1, NM_001406802.1); c.825TGA[1], p.Asp276del (NM_001406796.1, NM_001406798.1, NM_001406800.1 and 4 more transcripts); c.528TGA[1], p.Asp177del (NM_001406797.1, NM_001406801.1, NM_001406805.1 and 10 more transcripts); c.300TGA[1], p.Asp101del (NM_001406799.1, NM_001406806.1, NM_001406807.1); c.747TGA[1], p.Asp250del (NM_001406804.1); c.831TGA[1], p.Asp278del (NM_001406813.1); and 2 more; short protein forms D177del, D278del, D308del, D146del, D250del, D276del, D101del, D220del.
Identifiers: ClinVar variation 4729428 (VCV004729428.1).